The following is an entry in ClinVar:

ClinVar aggregate classification (germline): Likely benign (0 of 4 stars; one submission).

Conditions:
DST-related disorder. Also called: DST-related condition; DST-related disorders.

Submission:

PreventionGenetics, part of Exact Sciences
Classification: Likely benign for DST-related condition. Last evaluated: 2023-03-02. Review status: no assertion criteria provided. Collection method: clinical testing. Allele origin: germline.
Comment: This variant is classified as likely benign based on ACMG/AMP sequence variant interpretation guidelines (Richards et al. 2015 PMID: 25741868, with internal and published modifications).

NM_001723.7(DST):c.5379T>G (p.Ala1793=)

Gene: DST (dystonin; minus strand). Cytogenetic location: 6p12.1.
Variant type: single nucleotide variant.
Coding change: c.5379T>G on transcript NM_001723.7 (MANE Plus Clinical); coding-DNA position 5379, T replaced by G.
Protein change: p.Ala1793=; no amino-acid change (alanine 1793 retained).
Molecular consequence: synonymous variant. On other transcripts: intron variant (10).
Genome position (GRCh38, 1-based): chr6:56,618,655, A>C on the plus strand (T>G on the coding strand, the complement: DST is on the minus strand). VCF-style: chr6-56618655-A-C. GRCh37 (hg19) VCF-style: chr6-56483453-A-C.
Other names: c.4831-4171T>G (NM_001144769.5); c.4930-4171T>G (NM_001374722.1, NM_001374736.1); c.4957-4171T>G (NM_001374734.1); c.4417-4171T>G (NM_001144770.2); c.4297-4171T>G (NM_001374730.1, NM_001386100.1, NM_183380.4 and 1 more transcripts); c.3319-4171T>G (NM_015548.5).
Identifiers: ClinVar variation 3052483 (VCV003052483.2), dbSNP rs1358295914, ClinGen allele CA2740091380.